The following is an entry in ClinVar:

ClinVar aggregate classification (germline): Uncertain significance. Review status: criteria provided, multiple submitters, no conflicts (2 of 4 stars). 2 submissions from 2 submitters: Uncertain significance (2). Last evaluated 2026-07-02.

Conditions:
Breast-ovarian cancer, familial, susceptibility to, 4. Identifiers: Orphanet 145, MedGen C3280345, MONDO:0013669, OMIM 614291.
Hereditary cancer-predisposing syndrome. Also called: Hereditary neoplastic syndrome; Neoplastic Syndromes, Hereditary; Tumor predisposition; Hereditary Cancer Syndrome. Identifiers: Orphanet 140162, MedGen C0027672, MeSH D009386, MONDO:0015356.

gnomAD v4.1: 5 of 1,612,854 alleles (0.00031%); highest among the groups gnomAD compares: East Asian, 0.0089%; no homozygotes.

Submissions (2):

Ambry Genetics
Classification: Uncertain significance for Hereditary cancer-predisposing syndrome. Last evaluated: 2026-07-02. Review status: criteria provided, single submitter. Criteria: Ambry Variant Classification Scheme 2023. Collection method: clinical testing. Allele origin: germline.
Comment: The p.G83R variant (also known as c.247G>A), located in coding exon 3 of the RAD51D gene, results from a G to A substitution at nucleotide position 247. The glycine at codon 83 is replaced by arginine, an amino acid with dissimilar properties. This amino acid position is conserved. In addition, this alteration is predicted to be tolerated by in silico analysis. Based on the available evidence, the clinical significance of this variant remains unclear.

Fulgent Genetics
Classification: Uncertain significance for Breast-ovarian cancer, familial, susceptibility to, 4. Last evaluated: 2024-03-13. Review status: criteria provided, single submitter. Criteria: ACMG Guidelines, 2015. Collection method: clinical testing. Allele origin: germline.

NM_002878.4(RAD51D):c.263+1566G>A

Genes: RAD51D (RAD51 paralog D; minus strand), RAD51L3-RFFL (RAD51L3-RFFL readthrough; minus strand). Cytogenetic location: 17q12.
Variant type: single nucleotide variant.
Coding change: c.263+1566G>A on transcript NM_002878.4 (MANE Select); 1566 bases into the intron after coding-DNA position 263, G replaced by A.
Molecular consequence: intron variant. On other transcripts: missense variant (1).
Genome position (GRCh38, 1-based): chr17:35,116,935, C>T on the plus strand (G>A on the coding strand, the complement: RAD51D is on the minus strand). VCF-style: chr17-35116935-C-T. GRCh37 (hg19) VCF-style: chr17-33443954-C-T.
Other names: c.247G>A, p.Gly83Arg (NM_001142571.2); c.144+2176G>A (NM_133629.3); c.247G>A (NM_001142571.1); short protein forms G83R.
Identifiers: ClinVar variation 3581847 (VCV003581847.2).